The following is an entry in ClinVar:

ClinVar aggregate classification (germline): Uncertain significance. Review status: criteria provided, multiple submitters, no conflicts (2 of 4 stars). 2 submissions from 2 submitters: Uncertain significance (2). Last evaluated 2025-05-07.

Conditions:
Hereditary cancer-predisposing syndrome. Also called: Neoplastic Syndromes, Hereditary; Tumor predisposition; Hereditary Cancer Syndrome; Hereditary neoplastic syndrome. Identifiers: Orphanet 140162, MedGen C0027672, MeSH D009386, MONDO:0015356.
Rhabdoid tumor predisposition syndrome 2 (RTPS2). Identifiers: Orphanet 231108, Orphanet 69077, MedGen C2750074, MONDO:0013224, OMIM 613325.

Submissions (2):

Ambry Genetics
Classification: Uncertain significance for Hereditary cancer-predisposing syndrome. Last evaluated: 2025-05-07. Review status: criteria provided, single submitter. Criteria: Ambry Variant Classification Scheme 2023. Collection method: clinical testing. Allele origin: germline.
Comment: The p.D702Y variant (also known as c.2104G>T), located in coding exon 13 of the SMARCA4 gene, results from a G to T substitution at nucleotide position 2104. The aspartic acid at codon 702 is replaced by tyrosine, an amino acid with highly dissimilar properties. This amino acid position is conserved. In addition, this alteration is predicted to be deleterious by in silico analysis. Based on the available evidence, the clinical significance of this variant remains unclear.

Labcorp Genetics (formerly Invitae), Labcorp
Classification: Uncertain significance for Rhabdoid tumor predisposition syndrome 2. Last evaluated: 2022-07-29. Review status: criteria provided, single submitter. Criteria: Invitae Variant Classification Sherloc (09022015). Collection method: clinical testing. Allele origin: germline.
Comment: In summary, the available evidence is currently insufficient to determine the role of this variant in disease. Therefore, it has been classified as a Variant of Uncertain Significance. Algorithms developed to predict the effect of sequence changes on RNA splicing suggest that this variant may create or strengthen a splice site. Algorithms developed to predict the effect of missense changes on protein structure and function are either unavailable or do not agree on the potential impact of this missense change (SIFT: "Deleterious"; PolyPhen-2: "Benign"; Align-GVGD: "Class C15"). This variant has not been reported in the literature in individuals affected with SMARCA4-related conditions. This variant is not present in population databases (gnomAD no frequency). This sequence change replaces aspartic acid, which is acidic and polar, with tyrosine, which is neutral and polar, at codon 702 of the SMARCA4 protein (p.Asp702Tyr).

NM_003072.5(SMARCA4):c.2104G>T (p.Asp702Tyr)

Gene: SMARCA4 (SWI/SNF related BAF chromatin remodeling complex subunit ATPase 4; plus strand). Cytogenetic location: 19p13.2.
Variant type: single nucleotide variant.
Coding change: c.2104G>T on transcript NM_003072.5 (MANE Select); coding-DNA position 2104, G replaced by T.
Protein change: p.Asp702Tyr; replaces aspartic acid 702 with tyrosine.
Molecular consequence: missense variant. On other transcripts: non-coding transcript variant (1).
Genome position (GRCh38, 1-based): chr19:11,008,004, G>T. VCF-style: chr19-11008004-G-T. GRCh37 (hg19) VCF-style: chr19-11118680-G-T.
Other names: c.2104G>T, p.Asp702Tyr (NM_001128844.3, NM_001128845.2, NM_001128846.2 and 6 more transcripts); c.2104G>T (NM_001128849.1); short protein forms D702Y.
Identifiers: ClinVar variation 1714056 (VCV001714056.6), dbSNP rs2146193489, ClinGen allele CA404052590.